The following is an entry in ClinVar:

NM_014989.7(RIMS1):c.305C>G (p.Ala102Gly)

Gene: RIMS1 (regulating synaptic membrane exocytosis 1; plus strand). Cytogenetic location: 6q13.
Variant type: single nucleotide variant.
Coding change: c.305C>G on transcript NM_014989.7 (MANE Select); coding-DNA position 305, C replaced by G.
Protein change: p.Ala102Gly; replaces alanine 102 with glycine.
Molecular consequence: missense variant.
Genome position (GRCh38, 1-based): chr6:72,097,008, C>G. VCF-style: chr6-72097008-C-G. GRCh37 (hg19) VCF-style: chr6-72806711-C-G.
Other names: c.302C>G, p.Ala101Gly (NM_001350411.1); c.224C>G, p.Ala75Gly (NM_001350412.1); c.305C>G, p.Ala102Gly (NM_001350413.1); short protein forms A101G, A75G, A102G.
Identifiers: ClinVar variation 3008619 (VCV003008619.3), dbSNP rs777907746, ClinGen allele CA3885454.

ClinVar aggregate classification (germline): Uncertain significance (1 of 4 stars; one submission).

Allele frequency attached by ClinVar (database versions not stated): ExAC 0.00001.
gnomAD v4.1: 3 of 1,613,742 alleles (0.00019%); highest among the groups gnomAD compares: South Asian, 0.0022%; no homozygotes.

Submission:

Labcorp Genetics (formerly Invitae), Labcorp
Classification: Uncertain significance. Last evaluated: 2023-04-29. Review status: criteria provided, single submitter. Criteria: Invitae Variant Classification Sherloc (09022015). Collection method: clinical testing. Allele origin: germline.
Comment: In summary, the available evidence is currently insufficient to determine the role of this variant in disease. Therefore, it has been classified as a Variant of Uncertain Significance. An algorithm developed to predict the effect of missense changes on protein structure and function (PolyPhen-2) suggests that this variant is likely to be tolerated. This variant has not been reported in the literature in individuals affected with RIMS1-related conditions. This variant is present in population databases (rs777907746, gnomAD 0.003%). This sequence change replaces alanine, which is neutral and non-polar, with glycine, which is neutral and non-polar, at codon 102 of the RIMS1 protein (p.Ala102Gly).